The following is an entry in ClinVar:

NM_001040142.2(SCN2A):c.3177A>G (p.Ile1059Met)

Gene: SCN2A (sodium voltage-gated channel alpha subunit 2; plus strand). Cytogenetic location: 2q24.3.
Variant type: single nucleotide variant.
Coding change: c.3177A>G on transcript NM_001040142.2 (MANE Select); coding-DNA position 3177, A replaced by G.
Protein change: p.Ile1059Met; replaces isoleucine 1059 with methionine.
Molecular consequence: missense variant.
Genome position (GRCh38, 1-based): chr2:165,354,449, A>G. VCF-style: chr2-165354449-A-G. GRCh37 (hg19) VCF-style: chr2-166210959-A-G.
Other names: c.3177A>G, p.Ile1059Met (NM_001040143.2, NM_001371246.1, NM_001371247.1 and 1 more transcripts); short protein forms I1059M.
Identifiers: ClinVar variation 566988 (VCV000566988.9), dbSNP rs960821024, ClinGen allele CA59724948.

ClinVar aggregate classification (germline): Uncertain significance (1 of 4 stars; one submission).

Conditions:
Seizures, benign familial infantile, 3 (BFIS3). Also called: CONVULSIONS, BENIGN FAMILIAL INFANTILE, 3; Familial neonatal seizures. Identifiers: Orphanet 140927, Orphanet 306, MedGen C1843140, MONDO:0011904, OMIM 607745.
Developmental and epileptic encephalopathy, 11 (DEE11). Also called: Early infantile epileptic encephalopathy 11. Identifiers: Orphanet 1934, MedGen C3150987, MONDO:0013388, OMIM 613721.

Allele frequency attached by ClinVar (database versions not stated): gnomAD 0.00001; TOPMed 0.00001.
gnomAD v4.1: 4 of 1,614,042 alleles (0.00025%); highest among the groups gnomAD compares: Admixed American, 0.0017%; no homozygotes.

Submission:

Labcorp Genetics (formerly Invitae), Labcorp
Classification: Uncertain significance for Seizures, benign familial infantile, 3; Developmental and epileptic encephalopathy, 11. Last evaluated: 2020-02-17. Review status: criteria provided, single submitter. Criteria: Invitae Variant Classification Sherloc (09022015). Collection method: clinical testing. Allele origin: germline.
Comment: This sequence change replaces isoleucine with methionine at codon 1059 of the SCN2A protein (p.Ile1059Met). The isoleucine residue is moderately conserved and there is a small physicochemical difference between isoleucine and methionine. This variant is not present in population databases (ExAC no frequency). This variant has not been reported in the literature in individuals with SCN2A-related disease. Algorithms developed to predict the effect of missense changes on protein structure and function do not agree on the potential impact of this missense change (SIFT: "Deleterious"; PolyPhen-2: "Benign"; Align-GVGD: "Class C0"). In summary, the available evidence is currently insufficient to determine the role of this variant in disease. Therefore, it has been classified as a Variant of Uncertain Significance.